The following is an entry in ClinVar:

NM_001370466.1(NOD2):c.-8-2185C>T

Gene: NOD2 (nucleotide binding oligomerization domain containing 2; plus strand). Cytogenetic location: 16q12.1.
Variant type: single nucleotide variant.
Coding change: c.-8-2185C>T on transcript NM_001370466.1 (MANE Select); 2185 bases into the intron before 8 bases upstream of the start codon, C replaced by T.
Molecular consequence: intron variant. On other transcripts: synonymous variant (1).
Genome position (GRCh38, 1-based): chr16:50,697,303, C>T. VCF-style: chr16-50697303-C-T. GRCh37 (hg19) VCF-style: chr16-50731214-C-T.
Other names: c.60C>T, p.Leu20= (NM_022162.3).
Identifiers: ClinVar variation 546773 (VCV000546773.60), dbSNP rs144993105, ClinGen allele CA8051170.

ClinVar aggregate classification (germline): Conflicting classifications of pathogenicity. Review status: criteria provided, conflicting classifications (1 of 4 stars). 5 submissions from 5 submitters: Uncertain significance (1); Likely benign (3). 1 of the submissions does not count toward it. Last evaluated 2025-11-24.

Conditions:
NOD2-related disorder. Also called: NOD2-related condition.
Regional enteritis. Also called: Enteritis, Granulomatous. Identifiers: MedGen C0678202, MeSH D003424.
Blau syndrome (BLAUS). Also called: GRANULOMATOSIS, FAMILIAL JUVENILE SYSTEMIC; GRANULOMATOSIS, FAMILIAL, BLAU TYPE; GRANULOMATOUS INFLAMMATORY ARTHRITIS, DERMATITIS, AND UVEITIS, FAMILIAL; JABS SYNDROME; ARTHROCUTANEOUVEAL GRANULOMATOSIS. Identifiers: Orphanet 90340, MedGen C5201146, MONDO:0008523, OMIM 186580.
Autoinflammatory syndrome. Identifiers: Orphanet 93665, MedGen C3890737, MONDO:0019751.

Allele frequency attached by ClinVar (database versions not stated): ExAC 0.00004; gnomAD exomes 0.00008; ESP Exome Variant Server 0.00023; gnomAD 0.00023 and 0.00024; TOPMed 0.00023; 1000 Genomes Project 30x 0.00031; 1000 Genomes Project 0.00040.
gnomAD v4.1: 155 of 1,558,168 alleles (0.0099%); highest among the groups gnomAD compares: African/African-American, 0.063%; no homozygotes.

Submissions (5):

Labcorp Genetics (formerly Invitae), Labcorp
Classification: Likely benign for Regional enteritis; Blau syndrome. Last evaluated: 2025-11-24. Review status: criteria provided, single submitter. Criteria: Invitae Variant Classification Sherloc (09022015). Collection method: clinical testing. Allele origin: germline.

ARUP Laboratories, Molecular Genetics and Genomics, ARUP Laboratories
Classification: Likely benign. Last evaluated: 2021-09-18. Review status: criteria provided, single submitter. Criteria: ARUP Molecular Germline Variant Investigation Process 2021. Collection method: clinical testing. Allele origin: germline.

CeGaT Center for Human Genetics Tuebingen
Classification: Likely benign. Last evaluated: 2018-03-01. Review status: criteria provided, single submitter. Criteria: CeGaT Center For Human Genetics Tuebingen Variant Classification Criteria Version 2. Collection method: clinical testing. Allele origin: germline. Affected: yes. Observed: 1 variant allele.

Genome Diagnostics Laboratory, The Hospital for Sick Children
Classification: Uncertain significance for Autoinflammatory syndrome. Last evaluated: 2016-12-12. Review status: criteria provided, single submitter. Criteria: ACMG Guidelines, 2015. Collection method: clinical testing. Allele origin: germline. Affected: yes.

PreventionGenetics, part of Exact Sciences
Classification: Likely benign for NOD2-related condition. Last evaluated: 2022-08-28. Review status: no assertion criteria provided. Collection method: clinical testing. Allele origin: germline. Not counted in ClinVar's aggregate classification.
Comment: This variant is classified as likely benign based on ACMG/AMP sequence variant interpretation guidelines (Richards et al. 2015 PMID: 25741868, with internal and published modifications).